The following is an entry in ClinVar:

ClinVar aggregate classification (germline): Uncertain significance (1 of 4 stars; one submission).

Submission:

Ambry Genetics
Classification: Uncertain significance. Last evaluated: 2024-10-13. Review status: criteria provided, single submitter. Criteria: Ambry Variant Classification Scheme 2023. Collection method: clinical testing. Allele origin: germline.
Comment: The p.P1932L variant (also known as c.5795C>T), located in coding exon 18 of the POLQ gene, results from a C to T substitution at nucleotide position 5795. The proline at codon 1932 is replaced by leucine, an amino acid with similar properties. This amino acid position is conserved. In addition, this alteration is predicted to be tolerated by in silico analysis. Since supporting evidence is limited at this time, the clinical significance of this alteration remains unclear.

NM_199420.4(POLQ):c.5795C>T (p.Pro1932Leu)

Gene: POLQ (DNA polymerase theta; minus strand). Cytogenetic location: 3q13.33.
Variant type: single nucleotide variant.
Coding change: c.5795C>T on transcript NM_199420.4 (MANE Select); coding-DNA position 5795, C replaced by T.
Protein change: p.Pro1932Leu; replaces proline 1932 with leucine.
Molecular consequence: missense variant.
Genome position (GRCh38, 1-based): chr3:121,483,561, G>A on the plus strand (C>T on the coding strand, the complement: POLQ is on the minus strand). VCF-style: chr3-121483561-G-A. GRCh37 (hg19) VCF-style: chr3-121202408-G-A.
Other names: short protein forms P1932L.
Identifiers: ClinVar variation 1749677 (VCV001749677.3), dbSNP rs1017580261, ClinGen allele CA81831440.